The following is an entry in ClinVar:

NM_002936.6(RNASEH1):c.173T>A (p.Phe58Tyr)

Gene: RNASEH1 (ribonuclease H1; minus strand). Cytogenetic location: 2p25.3.
Variant type: single nucleotide variant.
Coding change: c.173T>A on transcript NM_002936.6 (MANE Select); coding-DNA position 173, T replaced by A.
Protein change: p.Phe58Tyr; replaces phenylalanine 58 with tyrosine.
Molecular consequence: missense variant. On other transcripts: 5 prime UTR variant (1), non-coding transcript variant (6).
Genome position (GRCh38, 1-based): chr2:3,556,860, A>T on the plus strand (T>A on the coding strand, the complement: RNASEH1 is on the minus strand). VCF-style: chr2-3556860-A-T. GRCh37 (hg19) VCF-style: chr2-3604450-A-T.
Other names: c.95T>A, p.Phe32Tyr (NM_001286834.3); c.-179T>A (NM_001286837.3); c.173T>A, p.Phe58Tyr (NM_001378271.1, NM_001378272.1, NM_001378273.1); short protein forms F32Y, F58Y.
Identifiers: ClinVar variation 1924904 (VCV001924904.5), dbSNP rs2528128849, ClinGen allele CA345739601.

ClinVar aggregate classification (germline): Uncertain significance (1 of 4 stars; one submission).

Submission:

Labcorp Genetics (formerly Invitae), Labcorp
Classification: Uncertain significance. Last evaluated: 2023-08-04. Review status: criteria provided, single submitter. Criteria: Invitae Variant Classification Sherloc (09022015). Collection method: clinical testing. Allele origin: germline.
Comment: This sequence change replaces phenylalanine, which is neutral and non-polar, with tyrosine, which is neutral and polar, at codon 58 of the RNASEH1 protein (p.Phe58Tyr). This variant is not present in population databases (gnomAD no frequency). This variant has not been reported in the literature in individuals affected with RNASEH1-related conditions. ClinVar contains an entry for this variant (Variation ID: 1924904). Advanced modeling of protein sequence and biophysical properties (such as structural, functional, and spatial information, amino acid conservation, physicochemical variation, residue mobility, and thermodynamic stability) performed at Invitae indicates that this missense variant is not expected to disrupt RNASEH1 protein function. In summary, the available evidence is currently insufficient to determine the role of this variant in disease. Therefore, it has been classified as a Variant of Uncertain Significance.